The following is an entry in ClinVar:

NM_020975.6(RET):c.2137-7A>G

Gene: RET (ret proto-oncogene; plus strand). Cytogenetic location: 10q11.21.
Variant type: single nucleotide variant.
Coding change: c.2137-7A>G on transcript NM_020975.6 (MANE Select); 7 bases into the intron before coding-DNA position 2137, A replaced by G.
Molecular consequence: intron variant.
Genome position (GRCh38, 1-based): chr10:43,116,577, A>G. VCF-style: chr10-43116577-A-G. GRCh37 (hg19) VCF-style: chr10-43612025-A-G.
Other names: c.2137-7A>G (NM_020630.7, NM_001406743.1, NM_001406744.1 and 2 more transcripts); c.2002-7A>G (NM_001406765.1, NM_001406763.1); c.1741-7A>G (NM_001406772.1, NM_001406769.1); c.1699-7A>G (NM_001406773.1, NM_001406771.1); c.1240-7A>G (NM_001406782.1, NM_001406780.1, NM_001406779.1 and 1 more transcripts); c.1105-7A>G (NM_001406787.1); c.1120-7A>G (NM_001406785.1); c.2008-7A>G (NM_001406764.1, NM_001406762.1, NM_001406761.1); and 10 more.
Identifiers: ClinVar variation 1672145 (VCV001672145.10), dbSNP rs2132902032, ClinGen allele CA2573145102.

ClinVar aggregate classification (germline): Likely benign. Review status: criteria provided, multiple submitters, no conflicts (2 of 4 stars). 3 submissions from 3 submitters: Likely benign (3). Last evaluated 2023-10-09.

Conditions:
Multiple endocrine neoplasia, type 2 (MEN2). Identifiers: Orphanet 653, MedGen C4048306, MONDO:0019003. Disease mechanism: gain of function.

Submissions (3):

Labcorp Genetics (formerly Invitae), Labcorp
Classification: Likely benign for Multiple endocrine neoplasia, type 2. Last evaluated: 2023-10-09. Review status: criteria provided, single submitter. Criteria: Invitae Variant Classification Sherloc (09022015). Collection method: clinical testing. Allele origin: germline.

All of Us Research Program, National Institutes of Health
Classification: Likely benign for Multiple endocrine neoplasia, type 2. Last evaluated: 2023-03-23. Review status: criteria provided, single submitter. Criteria: ACMG Guidelines, 2015. Collection method: clinical testing. Allele origin: germline. Inheritance: Autosomal dominant inheritance. Observed: 1 variant allele, 1 heterozygote.
Comment: This study involves interpretation of variants in research participants for the purpose of population health screening. Participant phenotype was not available at the time of variant classification. Additional details can be found in publication PMID: 35346344, PMCID: PMC8962531

Color Diagnostics, LLC DBA Color Health
Classification: Likely benign for Multiple endocrine neoplasia, type 2. Last evaluated: 2023-03-14. Review status: criteria provided, single submitter. Criteria: ACMG Guidelines, 2015. Collection method: clinical testing. Allele origin: germline.